The following is an entry in ClinVar:

NM_000214.3(JAG1):c.122C>G (p.Ser41Cys)

Gene: JAG1 (jagged canonical Notch ligand 1; minus strand). Cytogenetic location: 20p12.2.
Variant type: single nucleotide variant.
Coding change: c.122C>G on transcript NM_000214.3 (MANE Select); coding-DNA position 122, C replaced by G.
Protein change: p.Ser41Cys; replaces serine 41 with cysteine.
Molecular consequence: missense variant.
Genome position (GRCh38, 1-based): chr20:10,672,966, G>C on the plus strand (C>G on the coding strand, the complement: JAG1 is on the minus strand). VCF-style: chr20-10672966-G-C. GRCh37 (hg19) VCF-style: chr20-10653614-G-C.
Other names: short protein forms S41C.
Identifiers: ClinVar variation 3573239 (VCV003573239.2).

Conditions:
Arteriohepatic dysplasia. Also called: Alagille Syndrome. Identifiers: Orphanet 52, MedGen C0085280, MeSH D016738, MONDO:0007318.

Submission:

Gilbert/Spinner Lab, Children's Hospital of Philadelphia
No classification provided (evidence only). Condition: Alagille syndrome. Review status: no classification provided. Collection method: research. Allele origin: not applicable. Functional consequence: functionally_abnormal.
ClinVar note: "not provided" was previously submitted as the classification for the variant. However, the classification appeared to be based only on an observation of functional data so it was converted to no classification on 2025-07-30.